The following is an entry in ClinVar:

ClinVar aggregate classification (germline): Conflicting classifications of pathogenicity. Review status: criteria provided, conflicting classifications (1 of 4 stars). 19 submissions from 19 submitters: Pathogenic (4); Likely pathogenic (8); Uncertain significance (3). 4 of the submissions do not count toward it. Last evaluated 2026-10-13.

Conditions:
Autosomal recessive polycystic kidney disease (ARPKD). Also called: AR polycystic kidney disease. Identifiers: Orphanet 731, Orphanet 8378, MedGen C0085548, MeSH D017044, MONDO:0009889.
PKHD1-related disorder. Also called: PKHD1-related condition.
Cystic renal disease.
Polycystic kidney disease 4 (PKD4). Also called: PKD3; Autosomal Recessive Polycystic Kidney Disease – PKHD1; POLYCYSTIC KIDNEY DISEASE 4 WITH OR WITHOUT POLYCYSTIC LIVER DISEASE; POLYCYSTIC KIDNEY AND HEPATIC DISEASE 1; POLYCYSTIC KIDNEY DISEASE, INFANTILE, TYPE I. Identifiers: MedGen C4540575, MONDO:0033004, OMIM 263200.

Allele frequency attached by ClinVar (database versions not stated): TOPMed 0.00014; ESP Exome Variant Server 0.00015; gnomAD 0.00009; gnomAD exomes 0.00017; 1000 Genomes Project 0.00020; ExAC 0.00022; 1000 Genomes Project 30x 0.00031.
gnomAD v4.1: 251 of 1,613,922 alleles (0.016%); highest among the groups gnomAD compares: Non-Finnish European, 0.019%; no homozygotes.

Submissions 1 to 10 of 19:

GeneDx
Classification: Likely pathogenic. Last evaluated: 2026-10-13. Review status: criteria provided, single submitter. Criteria: GeneDx Variant Classification Process June 2021. Collection method: clinical testing. Allele origin: germline.
Comment: Observed phase unknown with a second variant in a patient with congenital hepatic fibrosis, Caroli's disease, and medullary sponge kidney in published literature (PMID: 12846734); In silico analysis supports that this missense variant has a deleterious effect on protein structure/function; This variant is associated with the following publications: (PMID: 26489027, 30809968, 14741187, 34405919, 33282801, 19914852, 27752906, 33940108, 35812281, 12846734, 38051388, 36550190, 42365546, 40794449)

Genetics Laboratory, Great Ormond Street Hospital NHS Foundation Trust, North Thames Genomic Laboratory Hub
Classification: Likely pathogenic for Cystic renal disease. Last evaluated: 2026-06-04. Review status: criteria provided, single submitter. Criteria: ACGS Best Practice Guidelines for Variant Classification in Rare Disease 2024 v1.2. Collection method: clinical testing. Allele origin: germline. Affected: yes.
Comment: PM2_moderate, PP1_supporting, PM3_strong

Victorian Clinical Genetics Services, Murdoch Childrens Research Institute
Classification: Pathogenic for Polycystic kidney disease 4. Last evaluated: 2026-03-14. Review status: criteria provided, single submitter. Criteria: ACMG Guidelines, 2015. Collection method: clinical testing. Allele origin: germline. Affected: yes.
Comment: This variant is classified as Pathogenic. Evidence in support of pathogenic classification: Variant is present in gnomAD <0.01 for a recessive condition (v4: 251 heterozygote(s), 0 homozygote(s)); This variant has strong previous evidence of pathogenicity in unrelated individuals. This variant has been classified as a VUS but more commonly as likely pathogenic/pathogenic by many clinical laboratories in ClinVar. There are also several reports in the literature of affected individuals with this variant in a compound heterozygous state (PMIDs: 19914852, 33282801). Evidence in support of benign classification: Same amino acid change has been observed in placental mammals. Additional information: Variant is predicted to result in a missense amino acid change from Ser to Leu; This variant is heterozygous; This gene is associated with autosomal recessive disease; however, there are emerging reports of individuals with heterozygous PKHD1 variants developing liver cysts and nephrocalcinosis (PMID: 21945273, 36691356); Alternative amino acid change(s) at the same position are present in gnomAD (highest allele count: v4: 1 heterozygote(s), 0 homozygote(s)); Variant is not located in an established domain, motif, hotspot or informative constraint region; Loss of function is a known mechanism of disease in this gene and is associated with polycystic kidney disease 4, with or without hepatic disease (MIM#263200); Variants in this gene are known to have variable expressivity. Significant intrafamilial variability has been reported (PMID: 20301501); Inheritance information for this variant is not currently available in this individual.

Labcorp Genetics (formerly Invitae), Labcorp
Classification: Likely pathogenic for Autosomal recessive polycystic kidney disease. Last evaluated: 2026-01-18. Review status: criteria provided, single submitter. Criteria: Invitae Variant Classification Sherloc (09022015). Collection method: clinical testing. Allele origin: germline.
Comment: This sequence change replaces serine, which is neutral and polar, with leucine, which is neutral and non-polar, at codon 1833 of the PKHD1 protein (p.Ser1833Leu). This variant is present in population databases (rs201105958, gnomAD 0.03%). This missense change has been observed in individuals with polycystic kidney disease (PMID: 12846734, 19914852, 27752906, 33282801, 33940108, 35812281). ClinVar contains an entry for this variant (Variation ID: 496898). Invitae Evidence Modeling of protein sequence and biophysical properties (such as structural, functional, and spatial information, amino acid conservation, physicochemical variation, residue mobility, and thermodynamic stability) indicates that this missense variant is not expected to disrupt PKHD1 protein function with a negative predictive value of 95%. In summary, the currently available evidence indicates that the variant is pathogenic, but additional data are needed to prove that conclusively. Therefore, this variant has been classified as Likely Pathogenic.

Natera, Inc.
Classification: Likely pathogenic for Autosomal recessive polycystic kidney disease. Last evaluated: 2025-12-23. Review status: criteria provided, single submitter. Criteria: Natera Variant Classification Schema (03/2026). Collection method: clinical testing. Allele origin: germline.
Comment: The c.5498C>T variant in PKHD1 is a missense variant predicted to cause substitution of serine to leucine at amino acid 1833. This variant is rare in the general population with a frequency below the threshold expected for the associated phenotype(s). This variant has been observed in one or more individuals affected with the associated recessive disease, as either homozygous or compound heterozygous with a second variant (PMID: 33940108, 33282801, 19914852, 12846734). Multiple computational prediction algorithms suggest this variant is unlikely to affect gene or protein function. Given the available evidence, this variant is classified as Likely Pathogenic.

Rare Kidney Stone Consortium and the Mayo Clinic Hyperoxaluria Center, Mayo Clinic
Classification: Likely pathogenic for Polycystic kidney disease 4. Last evaluated: 2025-10-03. Review status: criteria provided, single submitter. Criteria: ACMG Guidelines, 2015. Collection method: research. Allele origin: germline. Observed: 1 variant allele.
Comment: ACMG:PM1, PM2, PM3, PP3, PP5

CeGaT Center for Human Genetics Tuebingen
Classification: Pathogenic. Last evaluated: 2025-09-01. Review status: criteria provided, single submitter. Criteria: CeGaT Center For Human Genetics Tuebingen Variant Classification Criteria Version 2. Collection method: clinical testing. Allele origin: germline. Affected: yes. Observed: 1 variant allele.
Comment: PKHD1: PM3:Very Strong, PM2, PP4

MVZ Medizinische Genetik Mainz
Classification: Likely pathogenic for Polycystic kidney disease 4. Last evaluated: 2025-07-11. Review status: criteria provided, single submitter. Criteria: UK Practice Guidelines For Variant Classification V4 01 2020. Collection method: clinical testing. Allele origin: germline. Inheritance: Autosomal recessive inheritance. Affected: yes. Observed: 1 variant allele.

3billion
Classification: Pathogenic for Polycystic kidney disease 4. Last evaluated: 2024-08-07. Review status: criteria provided, single submitter. Criteria: ACMG Guidelines, 2015. Collection method: clinical testing. Allele origin: germline. Affected: yes.
Comment: The variant is observed at an extremely low frequency in the gnomAD v4.0.0 dataset (total allele frequency: 0.016%). Predicted Consequence/Location: Missense variant Damaging effect on gene or gene product predicted by in silico programs is uncertain [REVEL: 0.59 (damaging >=0.6, benign <0.4)]. The same nucleotide change resulting in the same amino acid change has been previously reported to be associated with PKHD1-related disorder (ClinVar ID: VCV000496898 /PMID: 12846734). The variant has been reported to be in trans with a pathogenic variant as either compound heterozygous or homozygous in at least 4 similarly affected unrelated individuals (PMID: 12846734, 19914852, 33282801, 35812281). The variant has been reported to co-segregate with the disease in at least one similarly affected relative/individual in the same family or similarly affected unrelated family (PMID: 35812281). Therefore, this variant is classified as Pathogenic according to the recommendation of ACMG/AMP guideline.

Women's Health and Genetics/Laboratory Corporation of America, LabCorp
Classification: Pathogenic for Autosomal recessive polycystic kidney disease. Last evaluated: 2023-02-27. Review status: criteria provided, single submitter. Criteria: LabCorp Variant Classification Summary - May 2015. Collection method: clinical testing. Allele origin: germline.
Comment: Variant summary: PKHD1 c.5498C>T (p.Ser1833Leu) results in a non-conservative amino acid change in the encoded protein sequence. Three of five in-silico tools predict a benign effect of the variant on protein function. The variant allele was found at a frequency of 0.00017 in 251130 control chromosomes (gnomAD). This frequency is not higher than estimated for a pathogenic variant in PKHD1 causing Polycystic Kidney And Hepatic Disease (0.00017 vs 0.0071), allowing no conclusion about variant significance. c.5498C>T has been reported in the literature in multiple individuals affected with Polycystic Kidney And Hepatic Disease, and segregated with disease within families (e.g. Burgmaier_2021). These data indicate that the variant is very likely to be associated with disease. To our knowledge, no experimental evidence demonstrating an impact on protein function has been reported. Five ClinVar submitters (evaluation after 2014) cite the variant as uncertain significance and one ClinVar submitter (evaluation after 2014) cites it as likey pathogenic. Based on the evidence outlined above, the variant was classified as pathogenic.

NM_138694.4(PKHD1):c.5498C>T (p.Ser1833Leu)

Gene: PKHD1 (PKHD1 ciliary IPT domain containing fibrocystin/polyductin; minus strand). Cytogenetic location: 6p12.2.
Variant type: single nucleotide variant.
Coding change: c.5498C>T on transcript NM_138694.4 (MANE Select); coding-DNA position 5498, C replaced by T.
Protein change: p.Ser1833Leu; replaces serine 1833 with leucine.
Molecular consequence: missense variant.
Genome position (GRCh38, 1-based): chr6:52,017,512, G>A on the plus strand (C>T on the coding strand, the complement: PKHD1 is on the minus strand). VCF-style: chr6-52017512-G-A. GRCh37 (hg19) VCF-style: chr6-51882310-G-A.
Other names: c.5498C>T, p.Ser1833Leu (NM_170724.3); c.5498C>T (NM_170724.2); short protein forms S1833L.
Identifiers: ClinVar variation 496898 (VCV000496898.41), dbSNP rs201105958, ClinGen allele CA3852501.